The following is an entry in ClinVar:

NM_002474.3(MYH11):c.3580G>A (p.Val1194Ile)

Gene: MYH11 (myosin heavy chain 11; minus strand). Cytogenetic location: 16p13.11.
Variant type: single nucleotide variant.
Coding change: c.3580G>A on transcript NM_002474.3 (MANE Select); coding-DNA position 3580, G replaced by A.
Protein change: p.Val1194Ile; replaces valine 1194 with isoleucine.
Molecular consequence: missense variant.
Genome position (GRCh38, 1-based): chr16:15,732,635, C>T on the plus strand (G>A on the coding strand, the complement: MYH11 is on the minus strand). VCF-style: chr16-15732635-C-T. GRCh37 (hg19) VCF-style: chr16-15826492-C-T.
Other names: c.3601G>A, p.Val1201Ile (NM_001040113.2, NM_001040114.2); c.3580G>A, p.Val1194Ile (NM_022844.3); short protein forms V1201I, V1194I.
Identifiers: ClinVar variation 5025050 (VCV005025050.1).
Genomic context (GRCh38, chr16:15,732,635, plus strand): 5'-GCTCAAGCTGCTCTGTGAGCTCCTCCACCGCCTGTGCGTGTTTCTGCCTCATCTCCTGGA[C>T]CTGAGCCTCATGGGACCGCGTCTCTTCATCCAGGGCCTTCTTCAGCACCGTCACCTCCTG-3'
Protein context (NP_002465.1, residues 1184-1204): DEETRSHEAQ[Val1194Ile]QEMRQKHAQA

ClinVar aggregate classification (germline): Uncertain significance (1 of 4 stars; one submission).

Conditions:
Familial thoracic aortic aneurysm and aortic dissection (TAAD). Also called: Thoracic aortic aneurysms and dissections. Identifiers: Orphanet 91387, MedGen C4707243, MONDO:0019625.

gnomAD v4.1: 5 of 1,614,262 alleles (0.00031%); highest among the groups gnomAD compares: Non-Finnish European, 0.00034%; no homozygotes.

Submission:

Ambry Genetics
Classification: Uncertain significance for Familial thoracic aortic aneurysm and aortic dissection. Last evaluated: 2026-07-01. Review status: criteria provided, single submitter. Criteria: Ambry Variant Classification Scheme 2023. Collection method: clinical testing. Allele origin: germline.
Comment: The p.V1194I variant (also known as c.3580G>A), located in coding exon 26 of the MYH11 gene, results from a G to A substitution at nucleotide position 3580. The valine at codon 1194 is replaced by isoleucine, an amino acid with highly similar properties. This amino acid position is conserved. In addition, this alteration is predicted to be tolerated by in silico analysis. Based on the available evidence, the clinical significance of this variant remains unclear.